The following is an entry in ClinVar:

ClinVar aggregate classification (germline): Uncertain significance (1 of 4 stars; one submission).

Allele frequency attached by ClinVar (database versions not stated): gnomAD exomes below 0.00001.
gnomAD v4.1: 1 of 1,544,018 alleles (0.000065%); highest among the groups gnomAD compares: Non-Finnish European, 0.000087%; no homozygotes.

Submission:

GeneDx
Classification: Uncertain significance. Last evaluated: 2023-02-28. Review status: criteria provided, single submitter. Criteria: GeneDx Variant Classification Process June 2021. Collection method: clinical testing. Allele origin: germline. Affected: yes.
Comment: Not observed at significant frequency in large population cohorts (gnomAD); In silico analysis supports that this missense variant has a deleterious effect on protein structure/function; Has not been previously published as pathogenic or benign to our knowledge

NM_020719.3(PRR12):c.937T>C (p.Tyr313His)

Gene: PRR12 (proline rich 12; plus strand). Cytogenetic location: 19q13.33.
Variant type: single nucleotide variant.
Coding change: c.937T>C on transcript NM_020719.3 (MANE Select); coding-DNA position 937, T replaced by C.
Protein change: p.Tyr313His; replaces tyrosine 313 with histidine.
Molecular consequence: missense variant.
Genome position (GRCh38, 1-based): chr19:49,595,272, T>C. VCF-style: chr19-49595272-T-C. GRCh37 (hg19) VCF-style: chr19-50098529-T-C.
Other names: short protein forms Y313H.
Identifiers: ClinVar variation 2578060 (VCV002578060.1), dbSNP rs2514270286, ClinGen allele CA406859008.